The following is an entry in ClinVar:

ClinVar aggregate classification (germline): Conflicting classifications of pathogenicity. Review status: criteria provided, conflicting classifications (1 of 4 stars). 3 submissions from 3 submitters: Uncertain significance (1); Likely benign (2). Last evaluated 2026-08-06.

Conditions:
Dilated cardiomyopathy 1G (CMD1G). Identifiers: Orphanet 154, MedGen C1858763, MONDO:0011400, OMIM 604145.
Autosomal recessive limb-girdle muscular dystrophy type 2J (LGMDR10). Also called: Limb-girdle muscular dystrophy, type 2J; MUSCULAR DYSTROPHY, LIMB-GIRDLE, AUTOSOMAL RECESSIVE 10. Identifiers: Orphanet 140922, MedGen C1837342, MONDO:0012127, OMIM 608807.
TTN-related disorder. Also called: TTN-related condition; TTN-related disease; TTN-related disorders.

Allele frequency attached by ClinVar (database versions not stated): gnomAD 0.00001 and 0.00002; gnomAD exomes 0.00002; TOPMed 0.00003.
gnomAD v4.1: 21 of 1,613,644 alleles (0.0013%); highest among the groups gnomAD compares: Non-Finnish European, 0.0017%; no homozygotes.

Submissions (3):

PreventionGenetics, part of Exact Sciences
Classification: Likely benign for TTN-related condition. Last evaluated: 2026-08-06. Review status: criteria provided, single submitter. Criteria: ACMG Guidelines, 2015. Collection method: clinical testing. Allele origin: germline.
Comment: This variant is classified as likely benign based on ACMG/AMP sequence variant interpretation guidelines (Richards et al. 2015 PMID: 25741868, with internal and published modifications).

Labcorp Genetics (formerly Invitae), Labcorp
Classification: Likely benign for Dilated cardiomyopathy 1G; Autosomal recessive limb-girdle muscular dystrophy type 2J. Last evaluated: 2025-06-10. Review status: criteria provided, single submitter. Criteria: Invitae Variant Classification Sherloc (09022015). Collection method: clinical testing. Allele origin: germline.

Eurofins Ntd Llc (ga)
Classification: Uncertain significance. Last evaluated: 2016-06-09. Review status: criteria provided, single submitter. Criteria: EGL Classification Definitions 2015. Collection method: clinical testing. Allele origin: germline. Observed: 1 variant allele, 1 heterozygote.

NM_001267550.2(TTN):c.15345T>A (p.Ile5115=)

Gene: TTN (titin; minus strand). Cytogenetic location: 2q31.2.
Variant type: single nucleotide variant.
Coding change: c.15345T>A on transcript NM_001267550.2 (MANE Select); coding-DNA position 15345, T replaced by A.
Protein change: p.Ile5115=; no amino-acid change (isoleucine 5115 retained).
Molecular consequence: synonymous variant. On other transcripts: intron variant (3).
Genome position (GRCh38, 1-based): chr2:178,734,479, A>T on the plus strand (T>A on the coding strand, the complement: TTN is on the minus strand). VCF-style: chr2-178734479-A-T. GRCh37 (hg19) VCF-style: chr2-179599206-A-T.
Other names: c.14394T>A, p.Ile4798= (NM_001256850.1); c.11613T>A, p.Ile3871= (NM_133378.4); c.13282+3603T>A (NM_003319.4); c.13858+3603T>A (NM_133437.4); c.13657+3603T>A (NM_133432.3).
Identifiers: ClinVar variation 287676 (VCV000287676.14), dbSNP rs878891236, ClinGen allele CA10605830.